The following is an entry in ClinVar:

NM_003383.5(VLDLR):c.747C>T (p.Gly249=)

Gene: VLDLR (very low density lipoprotein receptor; plus strand). Cytogenetic location: 9p24.2.
Variant type: single nucleotide variant.
Coding change: c.747C>T on transcript NM_003383.5 (MANE Select); coding-DNA position 747, C replaced by T.
Protein change: p.Gly249=; no amino-acid change (glycine 249 retained).
Molecular consequence: synonymous variant.
Genome position (GRCh38, 1-based): chr9:2,643,458, C>T. VCF-style: chr9-2643458-C-T. GRCh37 (hg19) VCF-style: chr9-2643458-C-T.
Other names: c.747C>T, p.Gly249= (NM_001018056.3); c.624C>T, p.Gly208= (NM_001322225.2, NM_001322226.2).
Identifiers: ClinVar variation 3622152 (VCV003622152.2).
Genomic context (GRCh38, chr9:2,643,458, plus strand): 5'-TGGCCGTCAGCCAGTCATACACACCAAGTGTCCAGCCAGCGAAATCCAGTGCGGCTCTGG[C>T]GAGTGCATCCATAAGAAGTGGCGATGTGATGGGGACCCTGACTGCAAGGATGGCAGTGAT-3'
Protein context (NP_003374.3, residues 239-259): CPASEIQCGS[Gly249=]ECIHKKWRCD

ClinVar aggregate classification (germline): Uncertain significance (1 of 4 stars; one submission).

gnomAD v4.1: 31 of 1,614,054 alleles (0.0019%); highest among the groups gnomAD compares: South Asian, 0.0033%; no homozygotes.

Submission:

Labcorp Genetics (formerly Invitae), Labcorp
Classification: Uncertain significance. Last evaluated: 2024-11-15. Review status: criteria provided, single submitter. Criteria: Invitae Variant Classification Sherloc (09022015). Collection method: clinical testing. Allele origin: germline.
Comment: This sequence change affects codon 249 of the VLDLR mRNA. It is a 'silent' change, meaning that it does not change the encoded amino acid sequence of the VLDLR protein. This variant is present in population databases (rs760542770, gnomAD 0.01%). This variant has not been reported in the literature in individuals affected with VLDLR-related conditions. Algorithms developed to predict the effect of sequence changes on RNA splicing suggest that this variant may create or strengthen a splice site. In summary, the available evidence is currently insufficient to determine the role of this variant in disease. Therefore, it has been classified as a Variant of Uncertain Significance.